The following is an entry in ClinVar:

NM_031407.7(HUWE1):c.12958A>T (p.Ile4320Phe)

Gene: HUWE1 (HECT, UBA and WWE domain containing E3 ubiquitin protein ligase 1; minus strand). Cytogenetic location: Xp11.22.
Variant type: single nucleotide variant.
Coding change: c.12958A>T on transcript NM_031407.7 (MANE Select); coding-DNA position 12958, A replaced by T.
Protein change: p.Ile4320Phe; replaces isoleucine 4320 with phenylalanine.
Molecular consequence: missense variant.
Genome position (GRCh38, 1-based): chrX:53,534,071, T>A on the plus strand (A>T on the coding strand, the complement: HUWE1 is on the minus strand). VCF-style: chrX-53534071-T-A. GRCh37 (hg19) VCF-style: chrX-53561032-T-A.
Other names: short protein forms I4320F.
Identifiers: ClinVar variation 1040586 (VCV001040586.8), dbSNP rs2060890993, ClinGen allele CA413144023.
Genomic context (GRCh38, chrX:53,534,071, plus strand): 5'-TGTGAGCTGAAGGCAGGCGATCTGTGGACCTGTCATCTCGATGGATCTGAAACTTCTGAA[T>A]GCCATTCATGCCTTCGAGGGCAGCAAAGCCTTGCAGGGGTACCTTGGAAGTACCTGTGAC-3'
Protein context (NP_113584.3, residues 4310-4330): GFAALEGMNG[Ile4320Phe]QKFQIHRDDR

ClinVar aggregate classification (germline): Uncertain significance (1 of 4 stars; one submission).

Submission:

Labcorp Genetics (formerly Invitae), Labcorp
Classification: Uncertain significance. Last evaluated: 2018-03-09. Review status: criteria provided, single submitter. Criteria: Invitae Variant Classification Sherloc (09022015). Collection method: clinical testing. Allele origin: germline.
Comment: Algorithms developed to predict the effect of missense changes on protein structure and function do not agree on the potential impact of this missense change (SIFT: "Deleterious"; Align-GVGD: "Class C0"). In summary, the available evidence is currently insufficient to determine the role of this variant in disease. Therefore, it has been classified as a Variant of Uncertain Significance. This variant has not been reported in the literature in individuals with HUWE1-related disease. This variant is not present in population databases (ExAC no frequency). This sequence change replaces isoleucine with phenylalanine at codon 4320 of the HUWE1 protein (p.Ile4320Phe). The isoleucine residue is highly conserved and there is a small physicochemical difference between isoleucine and phenylalanine.